The following is an entry in ClinVar:

NM_001048166.1(STIL):c.2918G>A (p.Arg973Lys)

Gene: STIL (STIL centriolar assembly protein; minus strand). Cytogenetic location: 1p33.
Variant type: single nucleotide variant.
Coding change: c.2918G>A on transcript NM_001048166.1 (MANE Select); coding-DNA position 2918, G replaced by A.
Protein change: p.Arg973Lys; replaces arginine 973 with lysine.
Molecular consequence: missense variant.
Genome position (GRCh38, 1-based): chr1:47,260,451, C>T on the plus strand (G>A on the coding strand, the complement: STIL is on the minus strand). VCF-style: chr1-47260451-C-T. GRCh37 (hg19) VCF-style: chr1-47726123-C-T.
Other names: c.2915G>A, p.Arg972Lys (NM_001282936.1, NM_003035.2); c.2864G>A, p.Arg955Lys (NM_001282937.1); c.2777G>A, p.Arg926Lys (NM_001282938.1); c.2723G>A, p.Arg908Lys (NM_001282939.1); short protein forms R972K, R973K, R926K, R908K, R955K.
Identifiers: ClinVar variation 430104 (VCV000430104.2), dbSNP rs759013025, ClinGen allele CA842062.

ClinVar aggregate classification (germline): Uncertain significance (1 of 4 stars; one submission).

Allele frequency attached by ClinVar (database versions not stated): ExAC 0.00001; gnomAD exomes 0.00001 and 0.00002; gnomAD 0.00003 and 0.00004; TOPMed 0.00004.
gnomAD v4.1: 36 of 1,614,014 alleles (0.0022%); highest among the groups gnomAD compares: African/African-American, 0.008%; no homozygotes.

Submission:

GeneDx
Classification: Uncertain significance. Last evaluated: 2017-05-17. Review status: criteria provided, single submitter. Criteria: GeneDx Variant Classification (06012015). Collection method: clinical testing. Allele origin: germline. Affected: yes.
Comment: A variant of uncertain significance has been identified in the STIL gene. The R972K variant has not been published as a pathogenic variant, nor has it been reported as a benign variant to our knowledge. The R972Kvariant is not observed in large population cohorts (Lek et al., 2016; 1000 Genomes Consortium et al., 2015; Exome Variant Server). However, the R972K variant is a conservative amino acid substitution, which is not likely to impact secondary protein structure as these residues share similar properties. Additionally, this substitution occurs at a position that is not conserved and in silico analysis predicts this variant likely does not alter the protein structure/function. Based on the currently available information, it is unclear whether this variant is a pathogenic variant or a rare benign variant.